The following is an entry in ClinVar:

ClinVar aggregate classification (germline): Benign. Review status: criteria provided, single submitter (1 of 4 stars). 2 submissions from 2 submitters: Benign (1). 1 of the submissions does not count toward it. Last evaluated 2021-06-09.

Conditions:
HOXA4-related disorder. Also called: HOXA4-related condition.

Allele frequency attached by ClinVar (database versions not stated): 1000 Genomes Project 30x 0.95034; 1000 Genomes Project 0.95367; ExAC 0.95477; gnomAD exomes 0.96249 and 0.96791; ESP Exome Variant Server 0.96527.
gnomAD v4.1: 1,303,605 of 1,350,112 alleles (97%); highest among the groups gnomAD compares: East Asian, 100%; 629,619 homozygotes.

Submissions (2):

GeneDx
Classification: Benign. Last evaluated: 2021-06-09. Review status: criteria provided, single submitter. Criteria: GeneDx Variant Classification Process June 2021. Collection method: clinical testing. Allele origin: germline. Affected: yes.

PreventionGenetics, part of Exact Sciences
Classification: Benign for HOXA4-related condition. Last evaluated: 2023-02-21. Review status: no assertion criteria provided. Collection method: clinical testing. Allele origin: germline. Not counted in ClinVar's aggregate classification.
Comment: This variant is classified as benign based on ACMG/AMP sequence variant interpretation guidelines (Richards et al. 2015 PMID: 25741868, with internal and published modifications).

NM_002141.5(HOXA4):c.208A>C (p.Thr70Pro)

Genes: HOXA3 (homeobox A3; minus strand), HOXA4 (homeobox A4; minus strand). Cytogenetic location: 7p15.2.
Variant type: single nucleotide variant.
Coding change: c.208A>C on transcript NM_002141.5 (MANE Select); coding-DNA position 208, A replaced by C.
Protein change: p.Thr70Pro; replaces threonine 70 with proline.
Molecular consequence: missense variant. On other transcripts: intron variant (7).
Genome position (GRCh38, 1-based): chr7:27,130,526, T>G on the plus strand (A>C on the coding strand, the complement: HOXA4 is on the minus strand). VCF-style: chr7-27130526-T-G. GRCh37 (hg19) VCF-style: chr7-27170145-T-G.
Other names: c.-389-3456A>C (NM_153631.3, NM_001384340.1); c.-505-3456A>C (NM_001384335.1, NM_001384339.1); c.-204-7884A>C (NM_001384336.1, NM_001384338.1); c.-677-3456A>C (NM_001384337.1); short protein forms T70P.
Identifiers: ClinVar variation 1269767 (VCV001269767.3), dbSNP rs6944345, ClinGen allele CA4196809.